The following is an entry in ClinVar:

ClinVar aggregate classification (germline): Benign/Likely benign. Review status: criteria provided, multiple submitters, no conflicts (2 of 4 stars). 6 submissions from 6 submitters: Benign (2); Likely benign (3). 1 of the submissions does not count toward it. Last evaluated 2026-01-06.

Conditions:
ARID1B-Related Disorder. Identifiers: MedGen CN381337.
Inborn genetic diseases. Identifiers: MedGen C0950123, MeSH D030342.

Submissions (6):

Labcorp Genetics (formerly Invitae), Labcorp
Classification: Likely benign. Last evaluated: 2026-01-06. Review status: criteria provided, single submitter. Criteria: Invitae Variant Classification Sherloc (09022015). Collection method: clinical testing. Allele origin: germline.

Blueprint Genetics
Classification: Likely benign. Last evaluated: 2024-11-21. Review status: criteria provided, single submitter. Criteria: ACMG Guidelines, 2015. Collection method: clinical testing. Allele origin: germline.

Ambry Genetics
Classification: Benign for Inborn genetic diseases. Last evaluated: 2022-05-24. Review status: criteria provided, single submitter. Criteria: Ambry Variant Classification Scheme 2023. Collection method: clinical testing. Allele origin: germline.

Genetic Services Laboratory, University of Chicago
Classification: Likely benign. Last evaluated: 2019-08-30. Review status: criteria provided, single submitter. Criteria: ACMG Guidelines, 2015. Collection method: clinical testing. Allele origin: germline. Affected: no.

GeneDx
Classification: Benign. Last evaluated: 2019-07-25. Review status: criteria provided, single submitter. Criteria: GeneDx Variant Classification Process June 2021. Collection method: clinical testing. Allele origin: germline. Affected: yes.

PreventionGenetics, part of Exact Sciences
Classification: Likely benign for ARID1B-related condition. Last evaluated: 2020-03-28. Review status: no assertion criteria provided. Collection method: clinical testing. Allele origin: germline. Not counted in ClinVar's aggregate classification.
Comment: This variant is classified as likely benign based on ACMG/AMP sequence variant interpretation guidelines (Richards et al. 2015 PMID: 25741868, with internal and published modifications).

NM_001374828.1(ARID1B):c.594GCAGCAGCAGCAGCAGCAACAGCA[3] (p.Gln214_His215insGlnGlnGlnGlnGlnGlnGlnGln)

Genes: ARID1B (AT-rich interaction domain 1B; plus strand), LOC115308161 (uncharacterized LOC115308161; minus strand). Cytogenetic location: 6q25.3.
Variant type: Microsatellite.
Coding change: c.594GCAGCAGCAGCAGCAGCAACAGCA[3] on transcript NM_001374828.1 (MANE Select); three copies in a row of the 24-base unit GCAGCAGCAGCAGCAGCAACAGCA starting at c.594; the reference has two copies in a row; one copy, 24 bases duplicated.
Protein change: p.Gln214_His215insGlnGlnGlnGlnGlnGlnGlnGln.
Molecular consequence: inframe insertion. On other transcripts: non-coding transcript variant (1).
Genome position (GRCh38, 1-based): chr6:156,778,298-156,778,321, GCAGCAGCAGCAGCAGCAACAGCA duplicated; duplicating any 24 consecutive bases within chr6:156,778,269-156,778,321 gives the same sequence; the position shown is the placement nearest the transcript's 3' end. VCF-style (leftmost placement, unchanged base first): chr6-156778268-C-CCAGCAGCAGCAGCAGCAGCAGCAA. GRCh37 (hg19) VCF-style: chr6-157099402-C-CCAGCAGCAGCAGCAGCAGCAGCAA.
Other names: c.369_392dup (NM_020732.3); c.369_392dup24 (NM_020732.3); c.594GCAGCAGCAGCAGCAGCAACAGCA[3], p.Gln214_His215insGlnGlnGlnGlnGlnGlnGlnGln (NM_001371656.1, NM_001374820.1, NM_017519.3).
Identifiers: ClinVar variation 589183 (VCV000589183.21), dbSNP rs770869529, ClinGen allele CA452988925.